The following is an entry in ClinVar:

ClinVar aggregate classification (germline): Uncertain significance (1 of 4 stars; one submission).

gnomAD v4.1: 2 of 1,614,128 alleles (0.00012%); highest among the groups gnomAD compares: East Asian, 0.0045%; no homozygotes.

Submission:

Labcorp Genetics (formerly Invitae), Labcorp
Classification: Uncertain significance. Last evaluated: 2025-07-01. Review status: criteria provided, single submitter. Criteria: Invitae Variant Classification Sherloc (09022015). Collection method: clinical testing. Allele origin: germline.
Comment: This sequence change replaces histidine, which is basic and polar, with aspartic acid, which is acidic and polar, at codon 463 of the ALPK1 protein (p.His463Asp). This variant is present in population databases (no rsID available, gnomAD 0.01%). This variant has not been reported in the literature in individuals affected with ALPK1-related conditions. Invitae Evidence Modeling of protein sequence and biophysical properties (such as structural, functional, and spatial information, amino acid conservation, physicochemical variation, residue mobility, and thermodynamic stability) indicates that this missense variant is expected to disrupt ALPK1 protein function with a positive predictive value of 80%. In summary, the available evidence is currently insufficient to determine the role of this variant in disease. Therefore, it has been classified as a Variant of Uncertain Significance.

NM_025144.4(ALPK1):c.1387C>G (p.His463Asp)

Gene: ALPK1 (alpha kinase 1; plus strand). Cytogenetic location: 4q25.
Variant type: single nucleotide variant.
Coding change: c.1387C>G on transcript NM_025144.4 (MANE Select); coding-DNA position 1387, C replaced by G.
Protein change: p.His463Asp; replaces histidine 463 with aspartic acid.
Molecular consequence: missense variant.
Genome position (GRCh38, 1-based): chr4:112,430,934, C>G. VCF-style: chr4-112430934-C-G. GRCh37 (hg19) VCF-style: chr4-113352090-C-G.
Other names: c.1387C>G, p.His463Asp (NM_001102406.2); c.1153C>G, p.His385Asp (NM_001253884.2); short protein forms H385D, H463D.
Identifiers: ClinVar variation 4745895 (VCV004745895.1).